The following is an entry in ClinVar:

ClinVar aggregate classification (germline): Uncertain significance (1 of 4 stars; one submission).

Submission:

GeneDx
Classification: Uncertain significance. Last evaluated: 2024-06-18. Review status: criteria provided, single submitter. Criteria: GeneDx Variant Classification Process June 2021. Collection method: clinical testing. Allele origin: germline. Affected: yes.
Comment: Not observed at significant frequency in large population cohorts (gnomAD); Frameshift variant predicted to result in protein truncation or nonsense mediated decay in a gene or region of a gene for which loss of function is not a well-established mechanism of disease; Has not been previously published as pathogenic or benign to our knowledge

NM_001270.4(CHD1):c.1757_1758dup (p.Asn587fs)

Gene: CHD1 (chromodomain helicase DNA binding protein 1; minus strand). Cytogenetic location: 5q15.
Variant type: Duplication.
Coding change: c.1757_1758dup on transcript NM_001270.4 (MANE Select); coding-DNA positions 1757 to 1758, 2 bases duplicated (TT; older notation c.1757_1758dupTT).
Protein change: p.Asn587fs; shifts the reading frame from asparagine 587.
Molecular consequence: frameshift variant. On other transcripts: non-coding transcript variant (2).
Genome position (GRCh38, 1-based): chr5:98,894,639-98,894,640, AA duplicated on the plus strand (TT on the coding strand, the reverse complement: CHD1 is on the minus strand); duplicating any 2 consecutive bases within chr5:98,894,639-98,894,641 gives the same sequence; the c. name uses the placement nearest the transcript's 3' end. VCF-style (leftmost placement, unchanged base first): chr5-98894638-T-TAA. GRCh37 (hg19) VCF-style: chr5-98230342-T-TAA.
Other names: c.1757_1758dup, p.Asn587fs (NM_001364113.3, NM_001376194.2); short protein forms N587fs.
Identifiers: ClinVar variation 3391768 (VCV003391768.1).